The following is an entry in ClinVar:

NC_000001.10:g.(?_110151229)_(110151430_?)del

Gene: GNAT2 (G protein subunit alpha transducin 2; minus strand). Cytogenetic location: 1p13.3.
Variant type: Deletion.
Identifiers: ClinVar variation 2425335 (VCV002425335.4).

ClinVar aggregate classification (germline): Pathogenic (1 of 4 stars; one submission).

Submission:

Labcorp Genetics (formerly Invitae), Labcorp
Classification: Pathogenic. Last evaluated: 2024-01-15. Review status: criteria provided, single submitter. Criteria: Invitae Variant Classification Sherloc (09022015). Collection method: clinical testing. Allele origin: germline.
Comment: This variant is a gross deletion of the genomic region encompassing exon(s) 4 of the GNAT2 gene. This deletion is out-of-frame, and is expected to create a premature termination codon and result in an absent or disrupted protein product. Loss-of-function variants in GNAT2 are known to be pathogenic (PMID: 12077706). A similar copy number variant has been observed in individual(s) with achromatopsia (PMID: 12077706). For these reasons, this variant has been classified as Pathogenic.

Literature cited by the submitters: PubMed 12077706.